The following is an entry in ClinVar:

NM_013254.4(TBK1):c.905C>G (p.Thr302Ser)

Gene: TBK1 (TANK binding kinase 1; plus strand). Cytogenetic location: 12q14.2.
Variant type: single nucleotide variant.
Coding change: c.905C>G on transcript NM_013254.4 (MANE Select); coding-DNA position 905, C replaced by G.
Protein change: p.Thr302Ser; replaces threonine 302 with serine.
Molecular consequence: missense variant.
Genome position (GRCh38, 1-based): chr12:64,481,934, C>G. VCF-style: chr12-64481934-C-G. GRCh37 (hg19) VCF-style: chr12-64875714-C-G.
Other names: short protein forms T302S.
Identifiers: ClinVar variation 2080172 (VCV002080172.4), dbSNP rs2040771511, ClinGen allele CA385599254.

ClinVar aggregate classification (germline): Uncertain significance (1 of 4 stars; one submission).

Conditions:
Frontotemporal dementia and/or amyotrophic lateral sclerosis 4. Also called: FTDALS4. Identifiers: Orphanet 275872, MedGen C4225325, MONDO:0014641, OMIM 616439.

Allele frequency attached by ClinVar (database versions not stated): gnomAD 0.00001; gnomAD exomes below 0.00001.
gnomAD v4.1: 3 of 1,611,860 alleles (0.00019%); highest among the groups gnomAD compares: Non-Finnish European, 0.00025%; no homozygotes.

Submission:

Labcorp Genetics (formerly Invitae), Labcorp
Classification: Uncertain significance for Frontotemporal dementia and/or amyotrophic lateral sclerosis 4. Last evaluated: 2022-09-15. Review status: criteria provided, single submitter. Criteria: Invitae Variant Classification Sherloc (09022015). Collection method: clinical testing. Allele origin: germline.
Comment: In summary, the available evidence is currently insufficient to determine the role of this variant in disease. Therefore, it has been classified as a Variant of Uncertain Significance. Advanced modeling of protein sequence and biophysical properties (such as structural, functional, and spatial information, amino acid conservation, physicochemical variation, residue mobility, and thermodynamic stability) performed at Invitae indicates that this missense variant is not expected to disrupt TBK1 protein function. This sequence change replaces threonine, which is neutral and polar, with serine, which is neutral and polar, at codon 302 of the TBK1 protein (p.Thr302Ser). This variant is not present in population databases (gnomAD no frequency). This variant has not been reported in the literature in individuals affected with TBK1-related conditions.